The following is an entry in ClinVar:

NM_153717.3(EVC):c.945A>G (p.Glu315=)

Gene: EVC (EvC ciliary complex subunit 1; plus strand). Cytogenetic location: 4p16.2.
Variant type: single nucleotide variant.
Coding change: c.945A>G on transcript NM_153717.3 (MANE Select); coding-DNA position 945, A replaced by G.
Protein change: p.Glu315=; no amino-acid change (glutamic acid 315 retained).
Molecular consequence: synonymous variant.
Genome position (GRCh38, 1-based): chr4:5,748,153, A>G. VCF-style: chr4-5748153-A-G. GRCh37 (hg19) VCF-style: chr4-5749880-A-G.
Other names: c.945A>G, p.Glu315= (NM_001306090.2, NM_001306092.2).
Identifiers: ClinVar variation 389469 (VCV000389469.4), dbSNP rs1057523442, ClinGen allele CA16604622.

ClinVar aggregate classification (germline): Likely benign. Review status: criteria provided, multiple submitters, no conflicts (2 of 4 stars). 2 submissions from 2 submitters: Likely benign (2). Last evaluated 2023-04-07.

Conditions:
Ellis-van Creveld syndrome (EVC). Also called: EVC-Related Ellis-van Creveld Syndrome; EVC2-Related Ellis-van Creveld Syndrome; MESOECTODERMAL DYSPLASIA; Chondroectodermal dysplasia. Identifiers: Orphanet 289, MedGen C0013903, MONDO:0009162, OMIM 225500.
Curry-Hall syndrome (WAD). Also called: WEYERS ACRODENTAL DYSOSTOSIS. Identifiers: Orphanet 952, MedGen C0457013, MONDO:0008673, OMIM 193530.

Submissions (2):

Labcorp Genetics (formerly Invitae), Labcorp
Classification: Likely benign for Curry-Hall syndrome; Ellis-van Creveld syndrome. Last evaluated: 2023-04-07. Review status: criteria provided, single submitter. Criteria: Invitae Variant Classification Sherloc (09022015). Collection method: clinical testing. Allele origin: germline.

GeneDx
Classification: Likely benign. Last evaluated: 2016-09-19. Review status: criteria provided, single submitter. Criteria: GeneDx Variant Classification (06012015). Collection method: clinical testing. Allele origin: germline. Affected: yes.
Comment: This variant is considered likely benign or benign based on one or more of the following criteria: it is a conservative change, it occurs at a poorly conserved position in the protein, it is predicted to be benign by multiple in silico algorithms, and/or has population frequency not consistent with disease.